The following is an entry in ClinVar:

ClinVar aggregate classification (germline): Uncertain significance (1 of 4 stars; one submission).

Conditions:
Combined immunodeficiency due to LRBA deficiency. Also called: Common variable immunodeficiency 8, with autoimmunity. Identifiers: Orphanet 445018, MedGen C3553512, MONDO:0013863, OMIM 614700.

Allele frequency attached by ClinVar (database versions not stated): gnomAD exomes below 0.00001.
gnomAD v4.1: 3 of 1,614,122 alleles (0.00019%); highest among the groups gnomAD compares: Admixed American, 0.0017%; no homozygotes.

Submission:

Labcorp Genetics (formerly Invitae), Labcorp
Classification: Uncertain significance for Combined immunodeficiency due to LRBA deficiency. Last evaluated: 2019-11-06. Review status: criteria provided, single submitter. Criteria: Invitae Variant Classification Sherloc (09022015). Collection method: clinical testing. Allele origin: germline.
Comment: In summary, the available evidence is currently insufficient to determine the role of this variant in disease. Therefore, it has been classified as a Variant of Uncertain Significance. Algorithms developed to predict the effect of missense changes on protein structure and function are either unavailable or do not agree on the potential impact of this missense change (SIFT: "Tolerated"; PolyPhen-2: "Probably Damaging"; Align-GVGD: "Class C0"). This variant has not been reported in the literature in individuals with LRBA-related conditions. This variant is not present in population databases (ExAC no frequency). This sequence change replaces serine with glycine at codon 121 of the LRBA protein (p.Ser121Gly). The serine residue is weakly conserved and there is a small physicochemical difference between serine and glycine.

NM_001364905.1(LRBA):c.361A>G (p.Ser121Gly)

Gene: LRBA (LPS responsive beige-like anchor protein; minus strand). Cytogenetic location: 4q31.3.
Variant type: single nucleotide variant.
Coding change: c.361A>G on transcript NM_001364905.1 (MANE Select); coding-DNA position 361, A replaced by G.
Protein change: p.Ser121Gly; replaces serine 121 with glycine.
Molecular consequence: missense variant.
Genome position (GRCh38, 1-based): chr4:150,928,921, T>C on the plus strand (A>G on the coding strand, the complement: LRBA is on the minus strand). VCF-style: chr4-150928921-T-C. GRCh37 (hg19) VCF-style: chr4-151850073-T-C.
Other names: c.361A>G, p.Ser121Gly (NM_001199282.3, NM_001367550.1, NM_006726.5); short protein forms S121G.
Identifiers: ClinVar variation 971293 (VCV000971293.9), dbSNP rs1329598341, ClinGen allele CA358439371.